The following is an entry in ClinVar:

NM_133259.4(LRPPRC):c.4129-305G>A

Gene: LRPPRC (leucine rich pentatricopeptide repeat containing; minus strand). Cytogenetic location: 2p21.
Variant type: single nucleotide variant.
Coding change: c.4129-305G>A on transcript NM_133259.4 (MANE Select); 305 bases into the intron before coding-DNA position 4129, G replaced by A.
Molecular consequence: intron variant.
Genome position (GRCh38, 1-based): chr2:43,888,961, C>T on the plus strand (G>A on the coding strand, the complement: LRPPRC is on the minus strand). VCF-style: chr2-43888961-C-T. GRCh37 (hg19) VCF-style: chr2-44116100-C-T.
Identifiers: ClinVar variation 684334 (VCV000684334.1), dbSNP rs10445885, ClinGen allele CA11314320.

ClinVar aggregate classification (germline): Benign (1 of 4 stars; one submission).

Allele frequency attached by ClinVar (database versions not stated): 1000 Genomes Project 30x 0.72423; TOPMed 0.62913; 1000 Genomes Project 0.73083; gnomAD 0.60591.
gnomAD v4.1: 92,411 of 152,090 alleles (61%); highest among the groups gnomAD compares: East Asian, 95%; 30,091 homozygotes.

Submission:

GeneDx
Classification: Benign. Last evaluated: 2018-06-14. Review status: criteria provided, single submitter. Criteria: GeneDx Variant Classification (06012015). Collection method: clinical testing. Allele origin: germline. Affected: yes.
Comment: This variant is considered likely benign or benign based on one or more of the following criteria: it is a conservative change, it occurs at a poorly conserved position in the protein, it is predicted to be benign by multiple in silico algorithms, and/or has population frequency not consistent with disease.